The following is an entry in ClinVar:

NM_000256.3(MYBPC3):c.3490+5T>C

Gene: MYBPC3 (myosin binding protein C3; minus strand). Cytogenetic location: 11p11.2.
Variant type: single nucleotide variant.
Coding change: c.3490+5T>C on transcript NM_000256.3 (MANE Select); 5 bases into the intron after coding-DNA position 3490, T replaced by C.
Molecular consequence: intron variant.
Genome position (GRCh38, 1-based): chr11:47,332,809, A>G on the plus strand (T>C on the coding strand, the complement: MYBPC3 is on the minus strand). VCF-style: chr11-47332809-A-G. GRCh37 (hg19) VCF-style: chr11-47354360-A-G.
Identifiers: ClinVar variation 4742797 (VCV004742797.1).
Genomic context (GRCh38, chr11:47,332,809, plus strand): 5'-CCCCTCTCCCTGTTCCCACAGCCTCCCTGCCCCAGCCCCTGGTTGGAAGAATGAGGGTAC[A>G]GCACCTGGTCTGGGGATAAAGACGGGCTCCTTGGTGGTGGCCGCTCTGTCACTAAAGCCA-3'

ClinVar aggregate classification (germline): Uncertain significance (1 of 4 stars; one submission).

Conditions:
Hypertrophic cardiomyopathy. Also called: HYPERTROPHIC MYOCARDIOPATHY. Identifiers: Orphanet 217569, MedGen C0007194, MeSH D002312, MONDO:0005045, HP:0001639.

gnomAD v4.1: 5 of 1,603,648 alleles (0.00031%); highest among the groups gnomAD compares: Non-Finnish European, 0.00043%; no homozygotes.

Submission:

Labcorp Genetics (formerly Invitae), Labcorp
Classification: Uncertain significance for Hypertrophic cardiomyopathy. Last evaluated: 2025-02-19. Review status: criteria provided, single submitter. Criteria: Invitae Variant Classification Sherloc (09022015). Collection method: clinical testing. Allele origin: germline.
Comment: This sequence change falls in intron 31 of the MYBPC3 gene. It does not directly change the encoded amino acid sequence of the MYBPC3 protein. It affects a nucleotide within the consensus splice site. This variant is not present in population databases (gnomAD no frequency). This variant has not been reported in the literature in individuals affected with MYBPC3-related conditions. Variants that disrupt the consensus splice site are a relatively common cause of aberrant splicing (PMID: 17576681, 9536098). Algorithms developed to predict the effect of sequence changes on RNA splicing suggest that this variant is not likely to affect RNA splicing. In summary, the available evidence is currently insufficient to determine the role of this variant in disease. Therefore, it has been classified as a Variant of Uncertain Significance.

Literature cited by the submitters: PubMed 17576681; PubMed 9536098.